The following is an entry in ClinVar:

NM_181336.4(LEMD2):c.1200G>T (p.Arg400=)

Gene: LEMD2 (LEM domain nuclear envelope protein 2; minus strand). Cytogenetic location: 6p21.31.
Variant type: single nucleotide variant.
Coding change: c.1200G>T on transcript NM_181336.4 (MANE Select); coding-DNA position 1200, G replaced by T.
Protein change: p.Arg400=; no amino-acid change (arginine 400 retained).
Molecular consequence: synonymous variant.
Genome position (GRCh38, 1-based): chr6:33,777,196, C>A on the plus strand (G>T on the coding strand, the complement: LEMD2 is on the minus strand). VCF-style: chr6-33777196-C-A. GRCh37 (hg19) VCF-style: chr6-33744973-C-A.
Other names: c.294G>T, p.Arg98= (NM_001143944.1, NM_001348709.2); c.801G>T, p.Arg267= (NM_001348710.2).
Identifiers: ClinVar variation 4766826 (VCV004766826.3).

ClinVar aggregate classification (germline): Likely benign. Review status: criteria provided, multiple submitters, no conflicts (2 of 4 stars). 2 submissions from 2 submitters: Likely benign (2). Last evaluated 2026-05-01.

gnomAD v4.1: 2 of 1,614,174 alleles (0.00012%); highest among the groups gnomAD compares: Non-Finnish European, 0.00017%; no homozygotes.

Submissions (2):

CeGaT Center for Human Genetics Tuebingen
Classification: Likely benign. Last evaluated: 2026-05-01. Review status: criteria provided, single submitter. Criteria: CeGaT Center For Human Genetics Tuebingen Variant Classification Criteria Version 2. Collection method: clinical testing. Allele origin: germline. Affected: yes. Observed: 1 variant allele.
Comment: LEMD2: BP4, BP7

Labcorp Genetics (formerly Invitae), Labcorp
Classification: Likely benign. Last evaluated: 2025-08-06. Review status: criteria provided, single submitter. Criteria: Invitae Variant Classification Sherloc (09022015). Collection method: clinical testing. Allele origin: germline.